The following is an entry in ClinVar:

ClinVar aggregate classification (germline): Uncertain significance. Review status: criteria provided, multiple submitters, no conflicts (2 of 4 stars). 2 submissions from 2 submitters: Uncertain significance (2). Last evaluated 2025-03-20.

Allele frequency attached by ClinVar (database versions not stated): gnomAD 0.00003.

Submissions (2):

Ambry Genetics
Classification: Uncertain significance. Last evaluated: 2025-03-20. Review status: criteria provided, single submitter. Criteria: Ambry Variant Classification Scheme 2023. Collection method: clinical testing. Allele origin: germline.
Comment: The p.R497L variant (also known as c.1490G>T), located in coding exon 9 of the GALNT12 gene, results from a G to T substitution at nucleotide position 1490. The arginine at codon 497 is replaced by leucine, an amino acid with dissimilar properties. This amino acid position is highly conserved in available vertebrate species. In addition, the in silico prediction for this alteration is inconclusive. Since supporting evidence is limited at this time, the clinical significance of this alteration remains unclear.

Labcorp Genetics (formerly Invitae), Labcorp
Classification: Uncertain significance. Last evaluated: 2023-03-23. Review status: criteria provided, single submitter. Criteria: Invitae Variant Classification Sherloc (09022015). Collection method: clinical testing. Allele origin: germline.
Comment: ClinVar contains an entry for this variant (Variation ID: 819370). This variant has not been reported in the literature in individuals affected with GALNT12-related conditions. This variant is present in population databases (rs200112438, gnomAD 0.007%). This sequence change replaces arginine, which is basic and polar, with leucine, which is neutral and non-polar, at codon 497 of the GALNT12 protein (p.Arg497Leu). Advanced modeling of protein sequence and biophysical properties (such as structural, functional, and spatial information, amino acid conservation, physicochemical variation, residue mobility, and thermodynamic stability) performed at Invitae indicates that this missense variant is not expected to disrupt GALNT12 protein function. In summary, the available evidence is currently insufficient to determine the role of this variant in disease. Therefore, it has been classified as a Variant of Uncertain Significance.

NM_024642.5(GALNT12):c.1490G>T (p.Arg497Leu)

Gene: GALNT12 (polypeptide N-acetylgalactosaminyltransferase 12; plus strand). Cytogenetic location: 9q22.33.
Variant type: single nucleotide variant.
Coding change: c.1490G>T on transcript NM_024642.5 (MANE Select); coding-DNA position 1490, G replaced by T.
Protein change: p.Arg497Leu; replaces arginine 497 with leucine.
Molecular consequence: missense variant.
Genome position (GRCh38, 1-based): chr9:98,846,008, G>T. VCF-style: chr9-98846008-G-T. GRCh37 (hg19) VCF-style: chr9-101608290-G-T.
Other names: short protein forms R497L.
Identifiers: ClinVar variation 819370 (VCV000819370.11), dbSNP rs200112438, ClinGen allele CA196832594.